The following is an entry in ClinVar:

NM_000815.5(GABRD):c.476C>A (p.Thr159Asn)

Gene: GABRD (gamma-aminobutyric acid type A receptor subunit delta; plus strand). Cytogenetic location: 1p36.33.
Variant type: single nucleotide variant.
Coding change: c.476C>A on transcript NM_000815.5 (MANE Select); coding-DNA position 476, C replaced by A.
Protein change: p.Thr159Asn; replaces threonine 159 with asparagine.
Molecular consequence: missense variant.
Genome position (GRCh38, 1-based): chr1:2,027,582, C>A. VCF-style: chr1-2027582-C-A. GRCh37 (hg19) VCF-style: chr1-1959021-C-A.
Other names: short protein forms T159N.
Identifiers: ClinVar variation 4880852 (VCV004880852.2).

ClinVar aggregate classification (germline): Uncertain significance (1 of 4 stars; one submission).

Submission:

Dasa
Classification: Uncertain significance. Last evaluated: 2025-06-21. Review status: criteria provided, single submitter. Criteria: DASA Assertion Criteria. Collection method: clinical testing. Allele origin: germline.
Comment: NM_000815.5(GABRD):c.476C>A (p.Thr159Asn) is a missense variant that results in the substitution of threonine with asparagine. Published studies describe this variant in association with related phenotype (PMID: 34633442). Also, this variant is absent from population databases. Computational prediction algorithms are consistent with a deleterious effect. The currently available literature and clinical evidence are not sufficient to establish a definitive association between this variant and the reported condition. Therefore, this variant is classified as a variant of uncertain significance.

Literature cited by the submitters: PubMed 34633442.